The following is an entry in ClinVar:

ClinVar aggregate classification (germline): Conflicting classifications of pathogenicity. Review status: criteria provided, conflicting classifications (1 of 4 stars). 6 submissions from 6 submitters: Uncertain significance (1); Likely benign (4). 1 of the submissions does not count toward it. Last evaluated 2026-01-27.

Conditions:
PCDH15-related disorder. Also called: PCDH15-related condition; PCDH15-related disorders.
Usher syndrome type 1 (USH1). Also called: RETINITIS PIGMENTOSA AND CONGENITAL DEAFNESS. Identifiers: Orphanet 231169, Orphanet 886, MedGen C1568247, MONDO:0010168, OMIM 276900.
Usher syndrome type 1F (USH1F). Also called: USHER SYNDROME, TYPE IF. Identifiers: Orphanet 231169, Orphanet 886, MedGen C1865885, MONDO:0011186, OMIM 602083.

Allele frequency attached by ClinVar (database versions not stated): TOPMed 0.00005; ExAC 0.00002; gnomAD exomes 0.00003; gnomAD 0.00006.
gnomAD v4.1: 46 of 1,613,920 alleles (0.0029%); highest among the groups gnomAD compares: Non-Finnish European, 0.0039%; no homozygotes.

Submissions (6):

Labcorp Genetics (formerly Invitae), Labcorp
Classification: Likely benign. Last evaluated: 2026-01-27. Review status: criteria provided, single submitter. Criteria: Invitae Variant Classification Sherloc (09022015). Collection method: clinical testing. Allele origin: germline.

PreventionGenetics, part of Exact Sciences
Classification: Likely benign for PCDH15-related condition. Last evaluated: 2025-12-19. Review status: criteria provided, single submitter. Criteria: ACMG Guidelines, 2015. Collection method: clinical testing. Allele origin: germline.
Comment: This variant is classified as likely benign based on ACMG/AMP sequence variant interpretation guidelines (Richards et al. 2015 PMID: 25741868, with internal and published modifications).

Blueprint Genetics
Classification: Likely benign. Last evaluated: 2021-09-28. Review status: criteria provided, single submitter. Criteria: ACMG Guidelines, 2015. Collection method: clinical testing. Allele origin: germline.

Illumina Laboratory Services, Illumina
Classification: Uncertain significance for Usher syndrome type 1. Last evaluated: 2018-01-13. Review status: criteria provided, single submitter. Criteria: ICSL Variant Classification Criteria 13 December 2019. Collection method: clinical testing. Allele origin: germline.

Laboratory for Molecular Medicine, Mass General Brigham Personalized Medicine
Classification: Likely benign. Last evaluated: 2017-08-23. Review status: criteria provided, single submitter. Criteria: LMM Criteria. Collection method: clinical testing. Allele origin: germline. Observed: 1 variant allele.
Comment: p.Arg1583Arg in exon 33 of PCDH15: This variant is not expected to have clinical significance because it does not alter an amino acid residue and is not located within the splice consensus sequence. It has been identified in 2/66726 Europea n chromosomes by the Exome Aggregation Consortium (ExAC; dbSNP rs767811568).

Natera, Inc.
Classification: Likely benign for Usher syndrome type 1F. Last evaluated: 2020-06-05. Review status: no assertion criteria provided. Collection method: clinical testing. Allele origin: germline. Not counted in ClinVar's aggregate classification.

NM_033056.4(PCDH15):c.4749G>A (p.Arg1583=)

Gene: PCDH15 (protocadherin related 15; minus strand). Cytogenetic location: 10q21.1.
Variant type: single nucleotide variant.
Coding change: c.4749G>A on transcript NM_033056.4 (MANE Plus Clinical); coding-DNA position 4749, G replaced by A.
Protein change: p.Arg1583=; no amino-acid change (arginine 1583 retained).
Molecular consequence: synonymous variant. On other transcripts: intron variant (8).
Genome position (GRCh38, 1-based): chr10:53,822,977, C>T on the plus strand (G>A on the coding strand, the complement: PCDH15 is on the minus strand). VCF-style: chr10-53822977-C-T. GRCh37 (hg19) VCF-style: chr10-55582737-C-T.
Other names: c.4770G>A, p.Arg1590= (NM_001142763.2); c.4755G>A, p.Arg1585= (NM_001142764.2); c.4542G>A, p.Arg1514= (NM_001142765.2); c.4740G>A, p.Arg1580= (NM_001142766.2); c.4629G>A, p.Arg1543= (NM_001142767.2); c.4689G>A, p.Arg1563= (NM_001142768.2); c.4680G>A, p.Arg1560= (NM_001142773.2); c.4683G>A, p.Arg1561= (NM_001354404.2); and 6 more.
Identifiers: ClinVar variation 300176 (VCV000300176.20), dbSNP rs767811568, ClinGen allele CA5505199.